The following is an entry in ClinVar:

ClinVar aggregate classification (germline): Uncertain significance (1 of 4 stars; one submission).

Conditions:
Feingold syndrome type 1 (FGLDS1). Also called: MICROCEPHALY AND DIGITAL ABNORMALITIES WITH NORMAL INTELLIGENCE; MICROCEPHALY, MENTAL RETARDATION, AND TRACHEOESOPHAGEAL FISTULA SYNDROME; MICROCEPHALY-OCULO-DIGITO-ESOPHAGEAL-DUODENAL SYNDROME; OCULODIGITOESOPHAGODUODENAL SYNDROME; ODED SYNDROME. Identifiers: Orphanet 1305, Orphanet 391641, MedGen C4551774, MONDO:0008115, OMIM 164280.

Submission:

Juno Genomics, Hangzhou Juno Genomics, Inc
Classification: Uncertain significance for Feingold syndrome type 1. Review status: criteria provided, single submitter. Criteria: ACMG Guidelines, 2015. Collection method: clinical testing. Allele origin: germline.
Comment: Absent from controls (or at extremely low frequency if recessive) in Genome Aggregation Database.;Null variant in a gene where loss of function (LOF) is a known mechanism of disease.

NM_005378.6(MYCN):c.1104dup (p.Ser369fs)

Gene: MYCN (MYCN proto-oncogene, bHLH transcription factor; plus strand). Cytogenetic location: 2p24.3.
Variant type: Duplication.
Coding change: c.1104dup on transcript NM_005378.6 (MANE Select); coding-DNA position 1104, one base duplicated (G; older notation c.1104dupG).
Protein change: p.Ser369fs; shifts the reading frame from serine 369.
Molecular consequence: frameshift variant. On other transcripts: 3 prime UTR variant (1).
Genome position (GRCh38, 1-based): chr2:15,945,806, G duplicated. VCF-style (leftmost placement, unchanged base first): chr2-15945805-A-AG. GRCh37 (hg19) VCF-style: chr2-16085927-A-AG.
Other names: c.1104dup, p.Ser369fs (NM_001293228.2); c.471dup, p.Ser158fs (NM_001293231.2); c.*1039dup (NM_001293233.2); short protein forms S158fs, S369fs.
Identifiers: ClinVar variation 5019645 (VCV005019645.2).